The following is an entry in ClinVar:

NM_002880.4(RAF1):c.1653C>G (p.Ile551Met)

Gene: RAF1 (Raf-1 proto-oncogene, serine/threonine kinase; minus strand). Cytogenetic location: 3p25.2.
Variant type: single nucleotide variant.
Coding change: c.1653C>G on transcript NM_002880.4 (MANE Select); coding-DNA position 1653, C replaced by G.
Protein change: p.Ile551Met; replaces isoleucine 551 with methionine.
Molecular consequence: missense variant. On other transcripts: non-coding transcript variant (3).
Genome position (GRCh38, 1-based): chr3:12,585,137, G>C on the plus strand (C>G on the coding strand, the complement: RAF1 is on the minus strand). VCF-style: chr3-12585137-G-C. GRCh37 (hg19) VCF-style: chr3-12626636-G-C.
Other names: c.1713C>G, p.Ile571Met (NM_001354689.3); c.1653C>G, p.Ile551Met (NM_001354690.3); c.1410C>G, p.Ile470Met (NM_001354691.3, NM_001354692.3); c.1554C>G, p.Ile518Met (NM_001354693.3); c.1470C>G, p.Ile490Met (NM_001354694.3); c.1311C>G, p.Ile437Met (NM_001354695.3); short protein forms I470M, I490M, I518M, I551M, I571M, I437M.
Identifiers: ClinVar variation 5019210 (VCV005019210.2).

ClinVar aggregate classification (germline): Uncertain significance (1 of 4 stars; one submission).

Conditions:
Dilated cardiomyopathy 1NN. Identifiers: Orphanet 154, MedGen C4014656, MONDO:0014396, OMIM 615916.
Noonan syndrome 5 (NS5). Also called: RAF1-Related Noonan Syndrome. Identifiers: Orphanet 648, MedGen C1969057, MONDO:0012690, OMIM 611553. Disease mechanism: gain of function.
LEOPARD syndrome 2 (LPRD2). Also called: RAF1-Related LEOPARD Syndrome. Identifiers: Orphanet 500, MedGen C1969056, MONDO:0012691, OMIM 611554.

gnomAD v4.1: 1 of 1,614,164 alleles (0.000062%); highest among the groups gnomAD compares: Non-Finnish European, 0.000085%; no homozygotes.

Submission:

Juno Genomics, Hangzhou Juno Genomics, Inc
Classification: Uncertain significance for Dilated cardiomyopathy 1NN; LEOPARD syndrome 2; Noonan syndrome 5. Review status: criteria provided, single submitter. Criteria: ACMG Guidelines, 2015. Collection method: clinical testing. Allele origin: germline.
Comment: Absent from controls (or at extremely low frequency if recessive) in Genome Aggregation Database.;Missense variant in a gene that has a low rate of benign missense variation.